The following is an entry in ClinVar:

NM_182493.3(MYLK3):c.254A>G (p.Asp85Gly)

Gene: MYLK3 (myosin light chain kinase 3; minus strand). Cytogenetic location: 16q11.2.
Variant type: single nucleotide variant.
Coding change: c.254A>G on transcript NM_182493.3 (MANE Select); coding-DNA position 254, A replaced by G.
Protein change: p.Asp85Gly; replaces aspartic acid 85 with glycine.
Molecular consequence: missense variant. On other transcripts: intron variant (1).
Genome position (GRCh38, 1-based): chr16:46,747,940, T>C on the plus strand (A>G on the coding strand, the complement: MYLK3 is on the minus strand). VCF-style: chr16-46747940-T-C. GRCh37 (hg19) VCF-style: chr16-46781852-T-C.
Other names: c.-113-7793A>G (NM_001308301.1); short protein forms D85G.
Identifiers: ClinVar variation 2763366 (VCV002763366.3), dbSNP rs2548911460, ClinGen allele CA395798170.

ClinVar aggregate classification (germline): Uncertain significance (1 of 4 stars; one submission).

Submission:

Labcorp Genetics (formerly Invitae), Labcorp
Classification: Uncertain significance. Last evaluated: 2023-10-28. Review status: criteria provided, single submitter. Criteria: Invitae Variant Classification Sherloc (09022015). Collection method: clinical testing. Allele origin: germline.
Comment: This sequence change replaces aspartic acid, which is acidic and polar, with glycine, which is neutral and non-polar, at codon 85 of the MYLK3 protein (p.Asp85Gly). This variant is not present in population databases (gnomAD no frequency). This variant has not been reported in the literature in individuals affected with MYLK3-related conditions. An algorithm developed to predict the effect of missense changes on protein structure and function (PolyPhen-2) suggests that this variant is likely to be tolerated. In summary, the available evidence is currently insufficient to determine the role of this variant in disease. Therefore, it has been classified as a Variant of Uncertain Significance.